The following is an entry in ClinVar:

ClinVar aggregate classification (germline): Uncertain significance (1 of 4 stars; one submission).

Conditions:
Emery-Dreifuss muscular dystrophy 5, autosomal dominant (EDMD5). Also called: EMERY-DREIFUSS MUSCULAR DYSTROPHY 5. Identifiers: Orphanet 261, MedGen C2751805, MONDO:0013072, OMIM 612999.

Allele frequency attached by ClinVar (database versions not stated): TOPMed 0.00001; ExAC 0.00003; gnomAD 0.00003; gnomAD exomes 0.00003 and 0.00004.
gnomAD v4.1: 52 of 1,612,332 alleles (0.0032%); highest among the groups gnomAD compares: Non-Finnish European, 0.0024%; no homozygotes.

Submission:

Labcorp Genetics (formerly Invitae), Labcorp
Classification: Uncertain significance for Emery-Dreifuss muscular dystrophy 5, autosomal dominant. Last evaluated: 2017-07-19. Review status: criteria provided, single submitter. Criteria: Invitae Variant Classification Sherloc (09022015). Collection method: clinical testing. Allele origin: germline.
Comment: This sequence change replaces glutamic acid with alanine at codon 2950 of the SYNE2 protein (p.Glu2950Ala). The glutamic acid residue is weakly conserved and there is a moderate physicochemical difference between glutamic acid and alanine. This variant is present in population databases (rs540706990, ExAC 0.03%). In summary, the available evidence is currently insufficient to determine the role of this variant in disease. Therefore, it has been classified as a Variant of Uncertain Significance. Algorithms developed to predict the effect of missense changes on protein structure and function do not agree on the potential impact of this missense change (SIFT: "Tolerated"; PolyPhen-2: "Probably Damaging"; Align-GVGD: "Class C0"). This variant has not been reported in the literature in individuals with SYNE2-related disease.

NM_182914.3(SYNE2):c.8849A>C (p.Glu2950Ala)

Gene: SYNE2 (spectrin repeat containing nuclear envelope protein 2; plus strand). Cytogenetic location: 14q23.2.
Variant type: single nucleotide variant.
Coding change: c.8849A>C on transcript NM_182914.3 (MANE Select); coding-DNA position 8849, A replaced by C.
Protein change: p.Glu2950Ala; replaces glutamic acid 2950 with alanine.
Molecular consequence: missense variant.
Genome position (GRCh38, 1-based): chr14:64,052,762, A>C. VCF-style: chr14-64052762-A-C. GRCh37 (hg19) VCF-style: chr14-64519480-A-C.
Other names: c.8849A>C, p.Glu2950Ala (NM_015180.6); short protein forms E2950A.
Identifiers: ClinVar variation 470986 (VCV000470986.8), dbSNP rs540706990, ClinGen allele CA7221169.